The following is an entry in ClinVar:

ClinVar aggregate classification (germline): Uncertain significance. Review status: criteria provided, single submitter (1 of 4 stars). 2 submissions from 2 submitters: Uncertain significance (1). 1 of the submissions does not count toward it. Last evaluated 2022-03-20.

Conditions:
COQ2-related disorder. Also called: COQ2-related condition.

Allele frequency attached by ClinVar (database versions not stated): gnomAD exomes 0.00001; gnomAD 0.00002; TOPMed 0.00002.
gnomAD v4.1: 20 of 1,594,180 alleles (0.0013%); highest among the groups gnomAD compares: Non-Finnish European, 0.0016%; no homozygotes.

Submissions (2):

Labcorp Genetics (formerly Invitae), Labcorp
Classification: Uncertain significance. Last evaluated: 2022-03-20. Review status: criteria provided, single submitter. Criteria: Invitae Variant Classification Sherloc (09022015). Collection method: clinical testing. Allele origin: germline.
Comment: Algorithms developed to predict the effect of missense changes on protein structure and function (SIFT, PolyPhen-2, Align-GVGD) all suggest that this variant is likely to be disruptive. This variant has not been reported in the literature in individuals affected with COQ2-related conditions. This variant is present in population databases (no rsID available, gnomAD 0.002%). This sequence change replaces glycine, which is neutral and non-polar, with arginine, which is basic and polar, at codon 260 of the COQ2 protein (p.Gly260Arg). This variant also falls at the last nucleotide of exon 4, which is part of the consensus splice site for this exon. In summary, the available evidence is currently insufficient to determine the role of this variant in disease. Therefore, it has been classified as a Variant of Uncertain Significance. Variants that disrupt the consensus splice site are a relatively common cause of aberrant splicing (PMID: 17576681, 9536098). Algorithms developed to predict the effect of sequence changes on RNA splicing suggest that this variant may disrupt the consensus splice site.

PreventionGenetics, part of Exact Sciences
Classification: Uncertain significance for COQ2-related condition. Last evaluated: 2024-06-28. Review status: no assertion criteria provided. Collection method: clinical testing. Allele origin: germline. Not counted in ClinVar's aggregate classification.
Comment: The COQ2 c.778G>C variant is predicted to result in the amino acid substitution p.Gly260Arg. To our knowledge, this variant has not been reported in the literature. This variant is reported in 0.0024% of alleles in individuals of European (Non-Finnish) descent in gnomAD. At this time, the clinical significance of this variant is uncertain due to the absence of conclusive functional and genetic evidence.

Literature cited by the submitters: PubMed 17576681 (cited by Labcorp Genetics (formerly Invitae), Labcorp); PubMed 9536098 (cited by Labcorp Genetics (formerly Invitae), Labcorp).

NM_001358921.2(COQ2):c.628G>C (p.Gly210Arg)

Gene: COQ2 (coenzyme Q2, polyprenyltransferase; minus strand). Cytogenetic location: 4q21.23.
Variant type: single nucleotide variant.
Coding change: c.628G>C on transcript NM_001358921.2 (MANE Select); coding-DNA position 628, G replaced by C.
Protein change: p.Gly210Arg; replaces glycine 210 with arginine.
Molecular consequence: missense variant.
Genome position (GRCh38, 1-based): chr4:83,272,087, C>G on the plus strand (G>C on the coding strand, the complement: COQ2 is on the minus strand). VCF-style: chr4-83272087-C-G. GRCh37 (hg19) VCF-style: chr4-84193240-C-G.
Other names: c.778G>C (NM_015697.7); c.778G>C, p.Gly260Arg (NM_015697.9); short protein forms G210R, G260R.
Identifiers: ClinVar variation 2115324 (VCV002115324.5), dbSNP rs1379033743, ClinGen allele CA357229943.